The following is an entry in ClinVar:

NM_199420.4(POLQ):c.7036C>G (p.Arg2346Gly)

Gene: POLQ (DNA polymerase theta; minus strand). Cytogenetic location: 3q13.33.
Variant type: single nucleotide variant.
Coding change: c.7036C>G on transcript NM_199420.4 (MANE Select); coding-DNA position 7036, C replaced by G.
Protein change: p.Arg2346Gly; replaces arginine 2346 with glycine.
Molecular consequence: missense variant.
Genome position (GRCh38, 1-based): chr3:121,460,166, G>C on the plus strand (C>G on the coding strand, the complement: POLQ is on the minus strand). VCF-style: chr3-121460166-G-C. GRCh37 (hg19) VCF-style: chr3-121179013-G-C.
Other names: short protein forms R2346G.
Identifiers: ClinVar variation 1756806 (VCV001756806.2), dbSNP rs777614615, ClinGen allele CA81854486.
Genomic context (GRCh38, chr3:121,460,166, plus strand): 5'-ACTCTGCTGCAATGCTCCTGAAAACATCAGCTCCAGTGTTTAACACTTGAATGAGACGAC[G>C]ATCATGGGATAAATGAGCCAAGATCCTCAGTTCAAGCTGAGAGTAGTCAGCAGCCAGTAT-3'
Protein context (NP_955452.3, residues 2336-2356): LRILAHLSHD[Arg2346Gly]RLIQVLNTGA

ClinVar aggregate classification (germline): Uncertain significance (1 of 4 stars; one submission).

gnomAD v4.1: 9 of 1,612,938 alleles (0.00056%); highest among the groups gnomAD compares: Non-Finnish European, 0.00076%; no homozygotes.

Submission:

Ambry Genetics
Classification: Uncertain significance. Last evaluated: 2022-05-30. Review status: criteria provided, single submitter. Criteria: Ambry Variant Classification Scheme 2023. Collection method: clinical testing. Allele origin: germline.
Comment: The p.R2346G variant (also known as c.7036C>G), located in coding exon 25 of the POLQ gene, results from a C to G substitution at nucleotide position 7036. The arginine at codon 2346 is replaced by glycine, an amino acid with dissimilar properties. This amino acid position is conserved. In addition, the in silico prediction for this alteration is inconclusive. Since supporting evidence is limited at this time, the clinical significance of this alteration remains unclear.